The following is an entry in ClinVar:

NM_001379180.1(ESRRB):c.1132A>G (p.Ile378Val)

Gene: ESRRB (estrogen related receptor beta; plus strand). Cytogenetic location: 14q24.3.
Variant type: single nucleotide variant.
Coding change: c.1132A>G on transcript NM_001379180.1 (MANE Select); coding-DNA position 1132, A replaced by G.
Protein change: p.Ile378Val; replaces isoleucine 378 with valine.
Molecular consequence: missense variant.
Genome position (GRCh38, 1-based): chr14:76,498,225, A>G. VCF-style: chr14-76498225-A-G. GRCh37 (hg19) VCF-style: chr14-76964568-A-G.
Other names: c.1069A>G, p.Ile357Val (NM_004452.4); c.1084A>G, p.Ile362Val (NM_001411038.1); short protein forms I357V, I362V, I378V.
Identifiers: ClinVar variation 5017592 (VCV005017592.1).

ClinVar aggregate classification (germline): Uncertain significance (1 of 4 stars; one submission).

gnomAD v4.1: 2 of 1,613,764 alleles (0.00012%); highest among the groups gnomAD compares: Admixed American, 0.0017%; no homozygotes.

Submission:

GeneDx
Classification: Uncertain significance. Last evaluated: 2026-04-01. Review status: criteria provided, single submitter. Criteria: GeneDx Variant Classification Process June 2021. Collection method: clinical testing. Allele origin: germline.
Comment: Not observed at significant frequency in large population cohorts (gnomAD); In silico analysis suggests that this missense variant does not alter protein structure/function; Has not been previously published as pathogenic or benign to our knowledge